The following is an entry in ClinVar:

NM_020297.4(ABCC9):c.2858A>G (p.Glu953Gly)

Gene: ABCC9 (ATP binding cassette subfamily C member 9; minus strand). Cytogenetic location: 12p12.1.
Variant type: single nucleotide variant.
Coding change: c.2858A>G on transcript NM_020297.4 (MANE Select); coding-DNA position 2858, A replaced by G.
Protein change: p.Glu953Gly; replaces glutamic acid 953 with glycine.
Molecular consequence: missense variant.
Genome position (GRCh38, 1-based): chr12:21,848,158, T>C on the plus strand (A>G on the coding strand, the complement: ABCC9 is on the minus strand). VCF-style: chr12-21848158-T-C. GRCh37 (hg19) VCF-style: chr12-22001092-T-C.
Other names: c.2858A>G, p.Glu953Gly (NM_001377273.1, NM_005691.4); c.1991A>G, p.Glu664Gly (NM_001377274.1); short protein forms E953G, E664G.
Identifiers: ClinVar variation 3718605 (VCV003718605.2).

ClinVar aggregate classification (germline): Uncertain significance (1 of 4 stars; one submission).

Conditions:
Dilated cardiomyopathy 1O (CMD1O). Also called: CARDIOMYOPATHY, DILATED, WITH VENTRICULAR TACHYCARDIA. Identifiers: Orphanet 154, MedGen C1837839, MONDO:0012062, OMIM 608569.

Submission:

Labcorp Genetics (formerly Invitae), Labcorp
Classification: Uncertain significance for Dilated cardiomyopathy 1O. Last evaluated: 2024-12-09. Review status: criteria provided, single submitter. Criteria: Invitae Variant Classification Sherloc (09022015). Collection method: clinical testing. Allele origin: germline.
Comment: This sequence change replaces glutamic acid, which is acidic and polar, with glycine, which is neutral and non-polar, at codon 953 of the ABCC9 protein (p.Glu953Gly). This variant is not present in population databases (gnomAD no frequency). This variant has not been reported in the literature in individuals affected with ABCC9-related conditions. Invitae Evidence Modeling of protein sequence and biophysical properties (such as structural, functional, and spatial information, amino acid conservation, physicochemical variation, residue mobility, and thermodynamic stability) has been performed for this missense variant. However, the output from this modeling did not meet the statistical confidence thresholds required to predict the impact of this variant on ABCC9 protein function. In summary, the available evidence is currently insufficient to determine the role of this variant in disease. Therefore, it has been classified as a Variant of Uncertain Significance.